The following is an entry in ClinVar:

ClinVar aggregate classification (germline): Uncertain significance (1 of 4 stars; one submission).

gnomAD v4.1: 8 of 1,614,242 alleles (0.0005%); highest among the groups gnomAD compares: Non-Finnish European, 0.00068%; no homozygotes.

Submission:

ARUP Laboratories, Molecular Genetics and Genomics, ARUP Laboratories
Classification: Uncertain significance. Last evaluated: 2024-05-15. Review status: criteria provided, single submitter. Criteria: ARUP Molecular Germline Variant Investigation Process 2024. Collection method: clinical testing. Allele origin: germline.
Comment: The VWF c.2104G>T; p.Val702Leu variant (rs767946240), to our knowledge, is not reported in the medical literature or gene specific databases. This variant is only observed on two alleles in the Genome Aggregation Database (v2.1.1), indicating it is not a common polymorphism. Computational analyses predict that this variant is deleterious (REVEL: 0.787). However, given the lack of clinical and functional data, the significance of this variant is uncertain at this time.

NM_000552.5(VWF):c.2104G>T (p.Val702Leu)

Gene: VWF (von Willebrand factor; minus strand). Cytogenetic location: 12p13.31.
Variant type: single nucleotide variant.
Coding change: c.2104G>T on transcript NM_000552.5 (MANE Select); coding-DNA position 2104, G replaced by T.
Protein change: p.Val702Leu; replaces valine 702 with leucine.
Molecular consequence: missense variant.
Genome position (GRCh38, 1-based): chr12:6,052,625, C>A on the plus strand (G>T on the coding strand, the complement: VWF is on the minus strand). VCF-style: chr12-6052625-C-A. GRCh37 (hg19) VCF-style: chr12-6161791-C-A.
Other names: short protein forms V702L.
Identifiers: ClinVar variation 3766620 (VCV003766620.1).
Genomic context (GRCh38, chr12:6,052,625, plus strand): 5'-AGATGTCTTCTGGCTGGAAGATCTCACCGTCATAGTAACAGGGGCACTGGGCCTTGGGCA[C>A]GCAGTCCCCCCTCTCATCCATGTAGAGCCCTGGGGGGCAGAAGCAGCCCTCCAGGCAGGC-3'
Protein context (NP_000543.3, residues 692-712): GLYMDERGDC[Val702Leu]PKAQCPCYYD